The following is an entry in ClinVar:

ClinVar aggregate classification (germline): Likely benign (1 of 4 stars; one submission).

Allele frequency attached by ClinVar (database versions not stated): TOPMed 0.00010; 1000 Genomes Project 30x 0.00016; ExAC 0.00011; gnomAD 0.00011; gnomAD exomes 0.00012.
gnomAD v4.1: 180 of 1,545,566 alleles (0.012%); highest among the groups gnomAD compares: Admixed American, 0.048%; no homozygotes.

Submission:

CeGaT Center for Human Genetics Tuebingen
Classification: Likely benign. Last evaluated: 2023-04-01. Review status: criteria provided, single submitter. Criteria: CeGaT Center For Human Genetics Tuebingen Variant Classification Criteria Version 2. Collection method: clinical testing. Allele origin: germline. Affected: yes. Observed: 1 variant allele.
Comment: SSC5D: BP4, BP7

NM_001144950.2(SSC5D):c.624C>T (p.Ala208=)

Gene: SSC5D (scavenger receptor cysteine rich family member with 5 domains; plus strand). Cytogenetic location: 19q13.42.
Variant type: single nucleotide variant.
Coding change: c.624C>T on transcript NM_001144950.2 (MANE Select); coding-DNA position 624, C replaced by T.
Protein change: p.Ala208=; no amino-acid change (alanine 208 retained).
Molecular consequence: synonymous variant.
Genome position (GRCh38, 1-based): chr19:55,490,809, C>T. VCF-style: chr19-55490809-C-T. GRCh37 (hg19) VCF-style: chr19-56002176-C-T.
Other names: c.624C>T, p.Ala208= (NM_001195267.2).
Identifiers: ClinVar variation 2650524 (VCV002650524.24), dbSNP rs759596974, ClinGen allele CA9676374.